The following is an entry in ClinVar:

NM_058216.3(RAD51C):c.904+6T>C

Gene: RAD51C (RAD51 paralog C; plus strand). Cytogenetic location: 17q22.
Variant type: single nucleotide variant.
Coding change: c.904+6T>C on transcript NM_058216.3 (MANE Select); 6 bases into the intron after coding-DNA position 904, T replaced by C.
Molecular consequence: intron variant.
Genome position (GRCh38, 1-based): chr17:58,720,818, T>C. VCF-style: chr17-58720818-T-C. GRCh37 (hg19) VCF-style: chr17-56798179-T-C.
Identifiers: ClinVar variation 471452 (VCV000471452.7), dbSNP rs1555602163, ClinGen allele CA658658627.

ClinVar aggregate classification (germline): Uncertain significance (1 of 4 stars; one submission).

Conditions:
Fanconi anemia complementation group O. Also called: RAD51C-Related Fanconi Anemia. Identifiers: Orphanet 84, MedGen C3150653, MONDO:0013248, OMIM 613390.

Submission:

Labcorp Genetics (formerly Invitae), Labcorp
Classification: Uncertain significance for Fanconi anemia complementation group O. Last evaluated: 2018-10-03. Review status: criteria provided, single submitter. Criteria: Invitae Variant Classification Sherloc (09022015). Collection method: clinical testing. Allele origin: germline.
Comment: This variant has not been reported in the literature in individuals with RAD51C-related disease. ClinVar contains an entry for this variant (Variation ID: 471452). This sequence change falls in intron 6 of the RAD51C gene. It does not directly change the encoded amino acid sequence of the RAD51C protein, but it affects a nucleotide within the consensus splice site of the intron. This variant is not present in population databases (ExAC no frequency). Nucleotide substitutions within the consensus splice site are a relatively common cause of aberrant splicing (PMID: 17576681, 9536098). Algorithms developed to predict the effect of sequence changes on RNA splicing suggest that this variant is not likely to affect RNA splicing, but this prediction has not been confirmed by published transcriptional studies. In summary, the available evidence is currently insufficient to determine the role of this variant in disease. Therefore, it has been classified as a Variant of Uncertain Significance.

Literature cited by the submitters: PubMed 17576681; PubMed 9536098.